The following is an entry in ClinVar:

ClinVar aggregate classification (germline): Uncertain significance (1 of 4 stars; one submission).

Submission:

GeneDx
Classification: Uncertain significance. Last evaluated: 2023-01-31. Review status: criteria provided, single submitter. Criteria: GeneDx Variant Classification Process June 2021. Collection method: clinical testing. Allele origin: germline. Affected: yes.
Comment: Not observed at significant frequency in large population cohorts (gnomAD); In silico analysis supports that this missense variant has a deleterious effect on protein structure/function; Has not been previously published as pathogenic or benign to our knowledge

NM_138615.3(DHX30):c.2314T>G (p.Ser772Ala)

Gene: DHX30 (DExH-box helicase 30; plus strand). Cytogenetic location: 3p21.31.
Variant type: single nucleotide variant.
Coding change: c.2314T>G on transcript NM_138615.3 (MANE Select); coding-DNA position 2314, T replaced by G.
Protein change: p.Ser772Ala; replaces serine 772 with alanine.
Molecular consequence: missense variant.
Genome position (GRCh38, 1-based): chr3:47,848,207, T>G. VCF-style: chr3-47848207-T-G. GRCh37 (hg19) VCF-style: chr3-47889697-T-G.
Other names: c.2230T>G, p.Ser744Ala (NM_001330990.2); c.2197T>G, p.Ser733Ala (NM_014966.4); short protein forms S733A, S744A, S772A.
Identifiers: ClinVar variation 2574180 (VCV002574180.1), dbSNP rs2549297027, ClinGen allele CA352590204.